The following is an entry in ClinVar:

NM_000257.4(MYH7):c.4188G>T (p.Arg1396=)

Gene: MYH7 (myosin heavy chain 7; minus strand). Cytogenetic location: 14q11.2.
Variant type: single nucleotide variant.
Coding change: c.4188G>T on transcript NM_000257.4 (MANE Select); coding-DNA position 4188, G replaced by T.
Protein change: p.Arg1396=; no amino-acid change (arginine 1396 retained).
Molecular consequence: synonymous variant.
Genome position (GRCh38, 1-based): chr14:23,417,668, C>A on the plus strand (G>T on the coding strand, the complement: MYH7 is on the minus strand). VCF-style: chr14-23417668-C-A. GRCh37 (hg19) VCF-style: chr14-23886877-C-A.
Identifiers: ClinVar variation 42996 (VCV000042996.24), dbSNP rs200852418, ClinGen allele CA014602.
Genomic context (GRCh38, chr14:23,417,668, plus strand): 5'-CTTCTCCAGCGAGGAGCACTTGGCATTAACAGCCTCCACGGCCTCCTCAGCTTCCTGCAG[C>A]CGCTGGGCCAGCTTCTTCCTGCCCAGGGGAGGGTGGCAGAGGGTGGGGAGGATGGAGGGT-3'
Protein context (NP_000248.2, residues 1386-1406): LEEAKKKLAQ[Arg1396=]LQEAEEAVEA

ClinVar aggregate classification (germline): Benign/Likely benign. Review status: criteria provided, multiple submitters, no conflicts (2 of 4 stars). 7 submissions from 7 submitters: Benign (1); Likely benign (5). 1 of the submissions does not count toward it. Last evaluated 2025-07-19.

Conditions:
Hypertrophic cardiomyopathy 1 (CMH1). Also called: MYH7-Related Familial Hypertrophic Cardiomyopathy; Familial hypertrophic cardiomyopathy 1. Identifiers: MedGen C3495498, MONDO:0008647, OMIM 192600.
Myosin storage myopathy (CMYO7A). Also called: SCAPULOPERONEAL MUSCULAR DYSTROPHY; SCAPULOPERONEAL SYNDROME, MYOPATHIC TYPE; MYH7-related late-onset scapuloperoneal muscular dystrophy; Congenital myopathy 7A, myosin storage, autosomal dominant; MYOPATHY WITH LYSIS OF TYPE I MYOFIBRILS; Scapuloperoneal myopathy, MYH7-related. Identifiers: Orphanet 437572, Orphanet 636965, MedGen C1842160, MONDO:0008409, OMIM 608358.
Congenital myopathy with fiber type disproportion. Also called: Congenital fiber-type disproportion myopathy; Congenital fiber-type disproportion. Identifiers: Orphanet 2020, MedGen C0546264, MONDO:0009711. Inheritance: all.
Myopathy, myosin storage, autosomal recessive (CMYO7B). Also called: CONGENITAL MYOPATHY 7B, MYOSIN STORAGE, AUTOSOMAL RECESSIVE. Identifiers: Orphanet 636970, MedGen C1850709, MONDO:0009708, OMIM 255160.
MYH7-related skeletal myopathy. Also called: Laing distal myopathy; Myopathy, distal, 1; MYOPATHY, DISTAL, EARLY-ONSET, AUTOSOMAL DOMINANT; MYOPATHY, LATE DISTAL HEREDITARY; Laing early-onset distal myopathy. Identifiers: Orphanet 59135, MedGen C4552004, MONDO:0008050, OMIM 160500.
Dilated cardiomyopathy 1S (CMD1S). Identifiers: Orphanet 154, Orphanet 54260, MedGen C1834481, MONDO:0013262, OMIM 613426.
MYH7-related disorder. Also called: MYH7-related condition; MYH7-related disease; MYH7-related disorders.
Cardiovascular phenotype. Identifiers: MedGen CN230736.
Cardiomyopathy (CMYO). Also called: Cardiomyopathies. Identifiers: Orphanet 167848, MedGen C0878544, MONDO:0004994, HP:0001638. Inheritance: Various modes of inheritance.
Hypertrophic cardiomyopathy. Also called: HYPERTROPHIC MYOCARDIOPATHY. Identifiers: Orphanet 217569, MedGen C0007194, MeSH D002312, MONDO:0005045, HP:0001639.

Allele frequency attached by ClinVar (database versions not stated): TOPMed 0.00002.
gnomAD v4.1: 96 of 1,612,862 alleles (0.006%); highest among the groups gnomAD compares: Non-Finnish European, 0.008%; no homozygotes.

Submissions (7):

Labcorp Genetics (formerly Invitae), Labcorp
Classification: Likely benign for Hypertrophic cardiomyopathy. Last evaluated: 2025-07-19. Review status: criteria provided, single submitter. Criteria: Invitae Variant Classification Sherloc (09022015). Collection method: clinical testing. Allele origin: germline.

Fulgent Genetics
Classification: Likely benign for MYH7-related skeletal myopathy; Myosin storage myopathy; Hypertrophic cardiomyopathy 1; Myopathy, myosin storage, autosomal recessive; Congenital myopathy 4A, autosomal dominant; Dilated cardiomyopathy 1S. Last evaluated: 2021-07-26. Review status: criteria provided, single submitter. Criteria: ACMG Guidelines, 2015. Collection method: clinical testing. Allele origin: unknown.

Color Diagnostics, LLC DBA Color Health
Classification: Likely benign for Cardiomyopathy. Last evaluated: 2020-10-19. Review status: criteria provided, single submitter. Criteria: ACMG Guidelines, 2015. Collection method: clinical testing. Allele origin: germline.

Ambry Genetics
Classification: Likely benign for Cardiovascular phenotype. Last evaluated: 2020-04-13. Review status: criteria provided, single submitter. Criteria: Ambry Variant Classification Scheme 2023. Collection method: clinical testing. Allele origin: germline.

GeneDx
Classification: Benign. Last evaluated: 2015-08-27. Review status: criteria provided, single submitter. Criteria: GeneDx Variant Classification Process June 2021. Collection method: clinical testing. Allele origin: germline. Affected: yes.

Laboratory for Molecular Medicine, Mass General Brigham Personalized Medicine
Classification: Likely benign. Last evaluated: 2012-06-11. Review status: criteria provided, single submitter. Criteria: LMM Criteria. Collection method: clinical testing. Allele origin: germline. Observed: 1 variant allele.
Comment: Arg1396Arg in exon 31 of MYH7: This variant is not expected to have clinical sig nificance because it does not alter an amino acid residue and is not located wit hin the splice consensus sequence. Arg1396Arg in exon 31 of MYH7 (allele freque ncy = n/a)

PreventionGenetics, part of Exact Sciences
Classification: Likely benign for MYH7-related condition. Last evaluated: 2020-11-18. Review status: no assertion criteria provided. Collection method: clinical testing. Allele origin: germline. Not counted in ClinVar's aggregate classification.
Comment: This variant is classified as likely benign based on ACMG/AMP sequence variant interpretation guidelines (Richards et al. 2015 PMID: 25741868, with internal and published modifications).